The following is an entry in ClinVar:

NM_205836.3(FBXO38):c.155G>A (p.Cys52Tyr)

Gene: FBXO38 (F-box protein 38; plus strand). Cytogenetic location: 5q32.
Variant type: single nucleotide variant.
Coding change: c.155G>A on transcript NM_205836.3 (MANE Select); coding-DNA position 155, G replaced by A.
Protein change: p.Cys52Tyr; replaces cysteine 52 with tyrosine.
Molecular consequence: missense variant.
Genome position (GRCh38, 1-based): chr5:148,399,025, G>A. VCF-style: chr5-148399025-G-A. GRCh37 (hg19) VCF-style: chr5-147778588-G-A.
Other names: c.155G>A, p.Cys52Tyr (NM_001271723.2, NM_030793.5); short protein forms C52Y.
Identifiers: ClinVar variation 1028903 (VCV001028903.1), dbSNP rs1400080044, ClinGen allele CA361654109.
Genomic context (GRCh38, chr5:148,399,025, plus strand): 5'-ACTTGATAAATACGAGTTTCTTTCTCTCACAAAGGTACCTCCCTCTGCAGGATATCATGT[G>A]TATGGAATGTCTTTCCCGGAAGCTAAAGGAAGCAGTGACCCTATATCTGCGAGTTGTGAG-3'
Protein context (NP_995308.1, residues 42-62): FRYLPLQDIM[Cys52Tyr]MECLSRKLKE

ClinVar aggregate classification (germline): Uncertain significance (1 of 4 stars; one submission).

Conditions:
Neuronopathy, distal hereditary motor, type 2D. Also called: NEURONOPATHY, DISTAL HEREDITARY MOTOR, AUTOSOMAL DOMINANT 6; HMN IID; SPINAL MUSCULAR ATROPHY, DISTAL, AUTOSOMAL DOMINANT, CALF-PREDOMINANT; NEURONOPATHY, DISTAL HEREDITARY MOTOR, HARDING TYPE IID; NEUROPATHY, DISTAL HEREDITARY MOTOR, HARDING TYPE IID. Identifiers: Orphanet 139525, MedGen C3888271, MONDO:0014259, OMIM 615575.

Submission:

Baylor Genetics
Classification: Uncertain significance for Neuronopathy, distal hereditary motor, type 2D. Last evaluated: 2019-07-24. Review status: criteria provided, single submitter. Criteria: ACMG Guidelines, 2015. Collection method: clinical testing. Allele origin: unknown. Affected: yes.
Comment: This variant was determined to be of uncertain significance according to ACMG Guidelines, 2015 [PMID:25741868].